The following is an entry in ClinVar:

NM_006361.6(HOXB13):c.118C>T (p.Pro40Ser)

Gene: HOXB13 (homeobox B13; minus strand). Cytogenetic location: 17q21.32.
Variant type: single nucleotide variant.
Coding change: c.118C>T on transcript NM_006361.6 (MANE Select); coding-DNA position 118, C replaced by T.
Protein change: p.Pro40Ser; replaces proline 40 with serine.
Molecular consequence: missense variant.
Genome position (GRCh38, 1-based): chr17:48,728,476, G>A on the plus strand (C>T on the coding strand, the complement: HOXB13 is on the minus strand). VCF-style: chr17-48728476-G-A. GRCh37 (hg19) VCF-style: chr17-46805838-G-A.
Other names: short protein forms P40S.
Identifiers: ClinVar variation 3009857 (VCV003009857.4), dbSNP rs2509515998, ClinGen allele CA400109248.

ClinVar aggregate classification (germline): Conflicting classifications of pathogenicity. Review status: criteria provided, conflicting classifications (1 of 4 stars). 2 submissions from 2 submitters: Uncertain significance (1); Likely benign (1). Last evaluated 2024-11-08.

Conditions:
Hereditary cancer-predisposing syndrome. Also called: Hereditary Cancer Syndrome; Neoplastic Syndromes, Hereditary; Tumor predisposition; Hereditary neoplastic syndrome. Identifiers: Orphanet 140162, MedGen C0027672, MeSH D009386, MONDO:0015356.

Submissions (2):

Ambry Genetics
Classification: Likely benign for Hereditary cancer-predisposing syndrome. Last evaluated: 2024-11-08. Review status: criteria provided, single submitter. Criteria: Ambry Variant Classification Scheme 2023. Collection method: clinical testing. Allele origin: germline.

Labcorp Genetics (formerly Invitae), Labcorp
Classification: Uncertain significance. Last evaluated: 2024-01-08. Review status: criteria provided, single submitter. Criteria: Invitae Variant Classification Sherloc (09022015). Collection method: clinical testing. Allele origin: germline.
Comment: This sequence change replaces proline, which is neutral and non-polar, with serine, which is neutral and polar, at codon 40 of the HOXB13 protein (p.Pro40Ser). This variant is not present in population databases (gnomAD no frequency). This variant has not been reported in the literature in individuals affected with HOXB13-related conditions. Algorithms developed to predict the effect of missense changes on protein structure and function output the following: SIFT: "Not Available"; PolyPhen-2: "Benign"; Align-GVGD: "Not Available". The serine amino acid residue is found in multiple mammalian species, which suggests that this missense change does not adversely affect protein function. In summary, the available evidence is currently insufficient to determine the role of this variant in disease. Therefore, it has been classified as a Variant of Uncertain Significance.